The following is an entry in ClinVar:

ClinVar aggregate classification (germline): Uncertain significance (1 of 4 stars; one submission).

Conditions:
Hereditary cancer-predisposing syndrome. Also called: Tumor predisposition; Hereditary neoplastic syndrome; Hereditary Cancer Syndrome; Neoplastic Syndromes, Hereditary. Identifiers: Orphanet 140162, MedGen C0027672, MeSH D009386, MONDO:0015356.

Submission:

Ambry Genetics
Classification: Uncertain significance for Hereditary cancer-predisposing syndrome. Last evaluated: 2025-05-09. Review status: criteria provided, single submitter. Criteria: Ambry Variant Classification Scheme 2023. Collection method: clinical testing. Allele origin: germline.
Comment: The p.R1556P variant (also known as c.4667G>C), located in coding exon 36 of the POLE gene, results from a G to C substitution at nucleotide position 4667. The arginine at codon 1556 is replaced by proline, an amino acid with dissimilar properties. This amino acid position is highly conserved in available vertebrate species. In addition, the in silico prediction for this alteration is inconclusive. Based on the available evidence, the clinical significance of this variant remains unclear.

NM_006231.4(POLE):c.4667G>C (p.Arg1556Pro)

Gene: POLE (DNA polymerase epsilon, catalytic subunit; minus strand). Cytogenetic location: 12q24.33.
Variant type: single nucleotide variant.
Coding change: c.4667G>C on transcript NM_006231.4 (MANE Select); coding-DNA position 4667, G replaced by C.
Protein change: p.Arg1556Pro; replaces arginine 1556 with proline.
Molecular consequence: missense variant.
Genome position (GRCh38, 1-based): chr12:132,642,881, C>G on the plus strand (G>C on the coding strand, the complement: POLE is on the minus strand). VCF-style: chr12-132642881-C-G. GRCh37 (hg19) VCF-style: chr12-133219467-C-G.
Other names: short protein forms R1556P.
Identifiers: ClinVar variation 3935650 (VCV003935650.1).